The following is an entry in ClinVar:

ClinVar aggregate classification (germline): Likely pathogenic (1 of 4 stars; one submission).

Submission:

GeneDx
Classification: Likely pathogenic. Last evaluated: 2013-11-15. Review status: criteria provided, single submitter. Criteria: GeneDx Variant Classification (06012015). Collection method: clinical testing. Allele origin: germline. Affected: yes.
Comment: p.Leu2534Met (CTG>ATG): c.7600 C>A in exon 62 of the FBN1 gene (NM_000138.4)The Leu2534Met variant in the FBN1 gene has not been reported as a disease-causing mutation or as a benign polymorphism to our knowledge. Leu2534Met results in a conservative amino acid substitution of one non-polar amino acid with another at a position that is conserved across species. In silico analysis predicts Leu2534Met is damaging to the protein structure/function. Mutations in nearby residues (Asn2526Ser, Cys2535Trp, Gly2536Arg) have been reported in association with Marfan syndrome or related phenotype, further supporting the functional importance of this region of the protein. Furthermore, the Leu2534Met variant was not observed in approximately 6,500 individuals of European and African American ancestry in the NHLBI Exome Sequencing Project, indicating it is not a common benign variant in these populations.In summary, while Leu2534Met is a good candidate for a disease-causing mutation, with the clinical and molecular information available at this time we cannot unequivocally determine the clinical significance of this variant. The variant is found in TAAD panel(s).

NM_000138.5(FBN1):c.7600C>A (p.Leu2534Met)

Gene: FBN1 (fibrillin 1; minus strand). Cytogenetic location: 15q21.1.
Variant type: single nucleotide variant.
Coding change: c.7600C>A on transcript NM_000138.5 (MANE Select); coding-DNA position 7600, C replaced by A.
Protein change: p.Leu2534Met; replaces leucine 2534 with methionine.
Molecular consequence: missense variant.
Genome position (GRCh38, 1-based): chr15:48,421,657, G>T on the plus strand (C>A on the coding strand, the complement: FBN1 is on the minus strand). VCF-style: chr15-48421657-G-T. GRCh37 (hg19) VCF-style: chr15-48713854-G-T.
Other names: p.L2534M:CTG>ATG; short protein forms L2534M.
Identifiers: ClinVar variation 200117 (VCV000200117.2), dbSNP rs794728274, ClinGen allele CA017282.